The following is an entry in ClinVar:

ClinVar aggregate classification (germline): Conflicting classifications of pathogenicity. Review status: criteria provided, conflicting classifications (1 of 4 stars). 3 submissions from 3 submitters: Uncertain significance (2); Likely benign (1). Last evaluated 2026-05-26.

Conditions:
Hereditary cancer-predisposing syndrome. Also called: Hereditary Cancer Syndrome; Neoplastic Syndromes, Hereditary; Tumor predisposition; Hereditary neoplastic syndrome. Identifiers: Orphanet 140162, MedGen C0027672, MeSH D009386, MONDO:0015356.
Hereditary diffuse gastric adenocarcinoma (HDGC). Also called: DIFFUSE GASTRIC AND LOBULAR BREAST CANCER SYNDROME. Identifiers: Orphanet 26106, MedGen C1708349, MONDO:0007648, OMIM 137215.

Allele frequency attached by ClinVar (database versions not stated): gnomAD exomes below 0.00001.
gnomAD v4.1: 1 of 1,614,234 alleles (0.000062%); highest among the groups gnomAD compares: Non-Finnish European, 0.000085%; no homozygotes.

Submissions (3):

Ambry Genetics
Classification: Likely benign for Hereditary cancer-predisposing syndrome. Last evaluated: 2026-05-26. Review status: criteria provided, single submitter. Criteria: Ambry Variant Classification Scheme 2023. Collection method: clinical testing. Allele origin: germline.

Labcorp Genetics (formerly Invitae), Labcorp
Classification: Uncertain significance for Hereditary diffuse gastric adenocarcinoma. Last evaluated: 2025-06-16. Review status: criteria provided, single submitter. Criteria: Invitae Variant Classification Sherloc (09022015). Collection method: clinical testing. Allele origin: germline.
Comment: This sequence change replaces glutamine, which is neutral and polar, with arginine, which is basic and polar, at codon 95 of the CDH1 protein (p.Gln95Arg). This variant is not present in population databases (gnomAD no frequency). This variant has not been reported in the literature in individuals affected with CDH1-related conditions. ClinVar contains an entry for this variant (Variation ID: 938903). An algorithm developed to predict the effect of missense changes on protein structure and function (PolyPhen-2) suggests that this variant is likely to be tolerated. In summary, the available evidence is currently insufficient to determine the role of this variant in disease. Therefore, it has been classified as a Variant of Uncertain Significance.

Color Diagnostics, LLC DBA Color Health
Classification: Uncertain significance for Hereditary cancer-predisposing syndrome. Last evaluated: 2023-12-04. Review status: criteria provided, single submitter. Criteria: ACMG Guidelines, 2015. Collection method: clinical testing. Allele origin: germline.
Comment: This missense variant replaces glutamine with arginine at codon 95 of the CDH1 protein. To our knowledge, functional studies have not been reported for this variant. This variant has not been reported in individuals affected with hereditary cancer in the literature. This variant has not been identified in the general population by the Genome Aggregation Database (gnomAD). The available evidence is insufficient to determine the role of this variant in disease conclusively. Therefore, this variant is classified as a Variant of Uncertain Significance.

NM_004360.5(CDH1):c.284A>G (p.Gln95Arg)

Gene: CDH1 (cadherin 1; plus strand). Cytogenetic location: 16q22.1.
Variant type: single nucleotide variant.
Coding change: c.284A>G on transcript NM_004360.5 (MANE Select); coding-DNA position 284, A replaced by G.
Protein change: p.Gln95Arg; replaces glutamine 95 with arginine.
Molecular consequence: missense variant. On other transcripts: 5 prime UTR variant (2).
Genome position (GRCh38, 1-based): chr16:68,801,790, A>G. VCF-style: chr16-68801790-A-G. GRCh37 (hg19) VCF-style: chr16-68835693-A-G.
Other names: c.284A>G, p.Gln95Arg (NM_001317184.2); c.-1332A>G (NM_001317185.2); c.-1536A>G (NM_001317186.2); short protein forms Q95R.
Identifiers: ClinVar variation 938903 (VCV000938903.16), dbSNP rs1960514915, ClinGen allele CA396457305.